The following is an entry in ClinVar:

NM_025215.6(PUS1):c.621G>A (p.Thr207=)

Gene: PUS1 (pseudouridine synthase 1; plus strand). Cytogenetic location: 12q24.33.
Variant type: single nucleotide variant.
Coding change: c.621G>A on transcript NM_025215.6 (MANE Select); coding-DNA position 621, G replaced by A.
Protein change: p.Thr207=; no amino-acid change (threonine 207 retained).
Molecular consequence: synonymous variant.
Genome position (GRCh38, 1-based): chr12:131,941,368, G>A. VCF-style: chr12-131941368-G-A. GRCh37 (hg19) VCF-style: chr12-132425913-G-A.
Other names: p.T207T:ACG>ACA; c.537G>A, p.Thr179= (NM_001002019.3, NM_001002020.3).
Identifiers: ClinVar variation 215035 (VCV000215035.26), dbSNP rs142044204, ClinGen allele CA324693.

ClinVar aggregate classification (germline): Benign/Likely benign. Review status: criteria provided, multiple submitters, no conflicts (2 of 4 stars). 7 submissions from 7 submitters: Benign (2); Likely benign (4). 1 of the submissions does not count toward it. Last evaluated 2026-02-02.

Conditions:
Sideroblastic anemia. Also called: Sideroblastic anaemia. Identifiers: Orphanet 1047, MedGen C0002896, MONDO:0015194, HP:0001924.
Inborn mitochondrial myopathy. Also called: Mitochondrial Myopathies; Mitochondrial myopathy. Identifiers: Orphanet 206966, MedGen C0162670, MONDO:0009637, HP:0003737.
Myopathy, lactic acidosis, and sideroblastic anemia 1 (MLASA1). Identifiers: Orphanet 2598, MedGen C4551958, MONDO:0024553, OMIM 600462.

Allele frequency attached by ClinVar (database versions not stated): 1000 Genomes Project 0.00200; 1000 Genomes Project 30x 0.00203; gnomAD 0.00295 and 0.00320; TOPMed 0.00311; ESP Exome Variant Server 0.00361.

Submissions (7):

Labcorp Genetics (formerly Invitae), Labcorp
Classification: Benign. Last evaluated: 2026-02-02. Review status: criteria provided, single submitter. Criteria: Invitae Variant Classification Sherloc (09022015). Collection method: clinical testing. Allele origin: germline.

CeGaT Center for Human Genetics Tuebingen
Classification: Likely benign. Last evaluated: 2025-06-01. Review status: criteria provided, single submitter. Criteria: CeGaT Center For Human Genetics Tuebingen Variant Classification Criteria Version 2. Collection method: clinical testing. Allele origin: germline. Affected: yes. Observed: 1 variant allele.
Comment: PUS1: BP4, BP7

Blueprint Genetics
Classification: Likely benign. Last evaluated: 2024-10-18. Review status: criteria provided, single submitter. Criteria: ACMG Guidelines, 2015. Collection method: clinical testing. Allele origin: germline.

Illumina Laboratory Services, Illumina
Classification: Likely benign for Myopathy, lactic acidosis, and sideroblastic anemia 1. Last evaluated: 2018-01-12. Review status: criteria provided, single submitter. Criteria: ICSL Variant Classification Criteria 13 December 2019. Collection method: clinical testing. Allele origin: germline.
Comment: This variant was observed in the ICSL laboratory as part of a predisposition screen in an ostensibly healthy population. It had not been previously curated by ICSL or reported in the Human Gene Mutation Database (HGMD: prior to June 1st, 2018), and was therefore a candidate for classification through an automated scoring system. Utilizing variant allele frequency, disease prevalence and penetrance estimates, and inheritance mode, an automated score was calculated to assess if this variant is too frequent to cause the disease. Based on the score and internal cut-off values, a variant classified as likely benign is not then subjected to further curation. The score for this variant resulted in a classification of likely benign for this disease.

GeneDx
Classification: Benign. Last evaluated: 2014-09-15. Review status: criteria provided, single submitter. Criteria: GeneDx Variant Classification (06012015). Collection method: clinical testing. Allele origin: germline. Affected: yes.
Comment: This variant is considered likely benign or benign based on one or more of the following criteria: it is a conservative change, it occurs at a poorly conserved position in the protein, it is predicted to be benign by multiple in silico algorithms, and/or has population frequency not consistent with disease.

Breakthrough Genomics
Classification: Likely benign. Review status: criteria provided, single submitter. Criteria: ACMG Guidelines, 2015. Collection method: not provided. Allele origin: germline. Inheritance: Autosomal recessive inheritance. Affected: yes.

Natera, Inc.
Classification: Benign for Mitochondrial myopathy; sideroblastic anemia. Last evaluated: 2020-09-16. Review status: no assertion criteria provided. Collection method: clinical testing. Allele origin: germline. Not counted in ClinVar's aggregate classification.